The following is an entry in ClinVar:

NM_000018.4(ACADVL):c.1037C>A (p.Ala346Glu)

Gene: ACADVL (acyl-CoA dehydrogenase very long chain; plus strand). Cytogenetic location: 17p13.1.
Variant type: single nucleotide variant.
Coding change: c.1037C>A on transcript NM_000018.4 (MANE Select); coding-DNA position 1037, C replaced by A.
Protein change: p.Ala346Glu; replaces alanine 346 with glutamic acid.
Molecular consequence: missense variant.
Genome position (GRCh38, 1-based): chr17:7,222,825, C>A. VCF-style: chr17-7222825-C-A. GRCh37 (hg19) VCF-style: chr17-7126144-C-A.
Other names: c.971C>A, p.Ala324Glu (NM_001033859.3); c.1106C>A, p.Ala369Glu (NM_001270447.2); c.809C>A, p.Ala270Glu (NM_001270448.2); short protein forms A270E, A346E, A369E, A324E.
Identifiers: ClinVar variation 2727946 (VCV002727946.2), dbSNP rs1303150138, ClinGen allele CA397724216.

ClinVar aggregate classification (germline): Uncertain significance (1 of 4 stars; one submission).

Conditions:
Very long chain acyl-CoA dehydrogenase deficiency (ACADVLD). Also called: VLCAD Deficiency; Very Long-Chain Acyl-Coenzyme A Dehydrogenase Deficiency. Identifiers: Orphanet 26793, MedGen C3887523, MONDO:0008723, OMIM 201475.

gnomAD v4.1: 1 of 1,613,332 alleles (0.000062%); highest among the groups gnomAD compares: Non-Finnish European, 0.000085%; no homozygotes.

Submission:

Labcorp Genetics (formerly Invitae), Labcorp
Classification: Uncertain significance for Very long chain acyl-CoA dehydrogenase deficiency. Last evaluated: 2023-06-24. Review status: criteria provided, single submitter. Criteria: Invitae Variant Classification Sherloc (09022015). Collection method: clinical testing. Allele origin: germline.
Comment: Advanced modeling of protein sequence and biophysical properties (such as structural, functional, and spatial information, amino acid conservation, physicochemical variation, residue mobility, and thermodynamic stability) performed at Invitae indicates that this missense variant is expected to disrupt ACADVL protein function. In summary, the available evidence is currently insufficient to determine the role of this variant in disease. Therefore, it has been classified as a Variant of Uncertain Significance. This sequence change replaces alanine, which is neutral and non-polar, with glutamic acid, which is acidic and polar, at codon 346 of the ACADVL protein (p.Ala346Glu). This variant is not present in population databases (gnomAD no frequency). This variant has not been reported in the literature in individuals affected with ACADVL-related conditions.